The following is an entry in ClinVar:

NM_002591.4(PCK1):c.1305C>T (p.Gly435=)

Gene: PCK1 (phosphoenolpyruvate carboxykinase 1; plus strand). Cytogenetic location: 20q13.31.
Variant type: single nucleotide variant.
Coding change: c.1305C>T on transcript NM_002591.4 (MANE Select); coding-DNA position 1305, C replaced by T.
Protein change: p.Gly435=; no amino-acid change (glycine 435 retained).
Molecular consequence: synonymous variant.
Genome position (GRCh38, 1-based): chr20:57,564,600, C>T. VCF-style: chr20-57564600-C-T. GRCh37 (hg19) VCF-style: chr20-56139656-C-T.
Other names: c.1305C>T (NM_002591.3).
Identifiers: ClinVar variation 1531902 (VCV001531902.10), dbSNP rs768311154, ClinGen allele CA9922339.

ClinVar aggregate classification (germline): Likely benign. Review status: criteria provided, single submitter (1 of 4 stars). 2 submissions from 2 submitters: Likely benign (1). 1 of the submissions does not count toward it. Last evaluated 2025-12-08.

Conditions:
PCK1-related disorder. Also called: PCK1-related condition.

Allele frequency attached by ClinVar (database versions not stated): ExAC 0.00003; gnomAD exomes 0.00012 and 0.00019; gnomAD 0.00013 and 0.00014; TOPMed 0.00014.
gnomAD v4.1: 87 of 1,597,620 alleles (0.0054%); highest among the groups gnomAD compares: Admixed American, 0.15%; no homozygotes.

Submissions (2):

Labcorp Genetics (formerly Invitae), Labcorp
Classification: Likely benign. Last evaluated: 2025-12-08. Review status: criteria provided, single submitter. Criteria: Invitae Variant Classification Sherloc (09022015). Collection method: clinical testing. Allele origin: germline.

PreventionGenetics, part of Exact Sciences
Classification: Likely benign for PCK1-related condition. Last evaluated: 2019-09-11. Review status: no assertion criteria provided. Collection method: clinical testing. Allele origin: germline. Not counted in ClinVar's aggregate classification.
Comment: This variant is classified as likely benign based on ACMG/AMP sequence variant interpretation guidelines (Richards et al. 2015 PMID: 25741868, with internal and published modifications).